The following is an entry in ClinVar:

NM_001555.5(IGSF1):c.3217C>T (p.Pro1073Ser)

Gene: IGSF1 (immunoglobulin superfamily member 1; minus strand). Cytogenetic location: Xq26.1.
Variant type: single nucleotide variant.
Coding change: c.3217C>T on transcript NM_001555.5 (MANE Select); coding-DNA position 3217, C replaced by T.
Protein change: p.Pro1073Ser; replaces proline 1073 with serine.
Molecular consequence: missense variant.
Genome position (GRCh38, 1-based): chrX:131,275,254, G>A on the plus strand (C>T on the coding strand, the complement: IGSF1 is on the minus strand). VCF-style: chrX-131275254-G-A. GRCh37 (hg19) VCF-style: chrX-130409228-G-A.
Other names: c.3232C>T, p.Pro1078Ser (NM_001170961.2); c.3190C>T, p.Pro1064Ser (NM_001170962.2); short protein forms P1073S, P1064S, P1078S.
Identifiers: ClinVar variation 2314669 (VCV002314669.4), dbSNP rs368781680, ClinGen allele CA10517669.
Genomic context (GRCh38, chrX:131,275,254, plus strand): 5'-CTGGCAGTTCCCCTTGACACTGAAGAGTCATATTTTCGCCAGGGGCCACCATGGGACCAG[G>A]CTGGGCTAATAGGCTGGGTTTGGGGAGTAAGCCTGGAAGAAATGAACTCCTGGTCAAAGA-3'
Protein context (NP_001546.2, residues 1063-1083): LLPKPSLLAQ[Pro1073Ser]GPMVAPGENM

ClinVar aggregate classification (germline): Conflicting classifications of pathogenicity. Review status: criteria provided, conflicting classifications (1 of 4 stars). 2 submissions from 2 submitters: Uncertain significance (1); Likely benign (1). Last evaluated 2026-04-01.

Conditions:
Inborn genetic diseases. Identifiers: MedGen C0950123, MeSH D030342.

Allele frequency attached by ClinVar (database versions not stated): gnomAD exomes below 0.00001; ExAC 0.00001; TOPMed 0.00001; gnomAD 0.00002; ESP Exome Variant Server 0.00009.
gnomAD v4.1: 5 of 1,209,595 alleles (0.00041%); highest among the groups gnomAD compares: Non-Finnish European, 0.00056%; no homozygotes.

Submissions (2):

CeGaT Center for Human Genetics Tuebingen
Classification: Likely benign. Last evaluated: 2026-04-01. Review status: criteria provided, single submitter. Criteria: CeGaT Center For Human Genetics Tuebingen Variant Classification Criteria Version 2. Collection method: clinical testing. Allele origin: germline. Affected: yes. Observed: 1 variant allele.
Comment: IGSF1: BP4

Ambry Genetics
Classification: Uncertain significance for Inborn genetic diseases. Last evaluated: 2022-09-29. Review status: criteria provided, single submitter. Criteria: Ambry Variant Classification Scheme 2023. Collection method: clinical testing. Allele origin: germline.